The following is an entry in ClinVar:

NM_001164508.2(NEB):c.8718A>C (p.Arg2906Ser)

Gene: NEB (nebulin; minus strand). Cytogenetic location: 2q23.3.
Variant type: single nucleotide variant.
Coding change: c.8718A>C on transcript NM_001164508.2 (MANE Select); coding-DNA position 8718, A replaced by C.
Protein change: p.Arg2906Ser; replaces arginine 2906 with serine.
Molecular consequence: missense variant.
Genome position (GRCh38, 1-based): chr2:151,640,028, T>G on the plus strand (A>C on the coding strand, the complement: NEB is on the minus strand). VCF-style: chr2-151640028-T-G. GRCh37 (hg19) VCF-style: chr2-152496542-T-G.
Other names: c.8718A>C, p.Arg2906Ser (NM_001164507.2, NM_001271208.2, NM_004543.5); c.8718A>C (NM_004543.4); short protein forms R2906S.
Identifiers: ClinVar variation 969697 (VCV000969697.18), dbSNP rs753718572, ClinGen allele CA1909512.

ClinVar aggregate classification (germline): Conflicting classifications of pathogenicity. Review status: criteria provided, conflicting classifications (1 of 4 stars). 4 submissions from 4 submitters: Uncertain significance (2); Likely benign (1). 1 of the submissions does not count toward it. Last evaluated 2024-02-14.

Conditions:
Nemaline myopathy 2 (NEM2). Also called: Nemaline myopathy 2, autosomal recessive. Identifiers: MedGen C1850569, MONDO:0009725, OMIM 256030.
Inborn genetic diseases. Identifiers: MedGen C0950123, MeSH D030342.

gnomAD v4.1: 44 of 1,613,800 alleles (0.0027%); highest among the groups gnomAD compares: Non-Finnish European, 0.0035%; 1 homozygote.

Submissions (4):

Labcorp Genetics (formerly Invitae), Labcorp
Classification: Likely benign for Nemaline myopathy 2. Last evaluated: 2024-02-14. Review status: criteria provided, single submitter. Criteria: Invitae Variant Classification Sherloc (09022015). Collection method: clinical testing. Allele origin: germline.

Ambry Genetics
Classification: Uncertain significance for Inborn genetic diseases. Last evaluated: 2023-05-31. Review status: criteria provided, single submitter. Criteria: Ambry Variant Classification Scheme 2023. Collection method: clinical testing. Allele origin: germline.

GeneDx
Classification: Uncertain significance. Last evaluated: 2022-10-04. Review status: criteria provided, single submitter. Criteria: GeneDx Variant Classification Process June 2021. Collection method: clinical testing. Allele origin: germline. Affected: yes.
Comment: Not observed at significant frequency in large population cohorts (gnomAD); In silico analysis supports that this missense variant does not alter protein structure/function; Has not been previously published as pathogenic or benign to our knowledge

Natera, Inc.
Classification: Uncertain significance for Nemaline myopathy type 2. Last evaluated: 2020-06-12. Review status: no assertion criteria provided. Collection method: clinical testing. Allele origin: germline. Not counted in ClinVar's aggregate classification.